The following is an entry in ClinVar:

ClinVar aggregate classification (germline): Uncertain significance. Review status: criteria provided, multiple submitters, no conflicts (2 of 4 stars). 2 submissions from 2 submitters: Uncertain significance (2). Last evaluated 2024-12-12.

Conditions:
Inborn genetic diseases. Identifiers: MedGen C0950123, MeSH D030342.

Allele frequency attached by ClinVar (database versions not stated): gnomAD exomes 0.00006; ExAC 0.00012; ESP Exome Variant Server 0.00015; gnomAD 0.00017; TOPMed 0.00019; 1000 Genomes Project 0.00020; 1000 Genomes Project 30x 0.00031.
gnomAD v4.1: 135 of 1,614,074 alleles (0.0084%); highest among the groups gnomAD compares: East Asian, 0.058%; no homozygotes.

Submissions (2):

Labcorp Genetics (formerly Invitae), Labcorp
Classification: Uncertain significance. Last evaluated: 2024-12-12. Review status: criteria provided, single submitter. Criteria: Invitae Variant Classification Sherloc (09022015). Collection method: clinical testing. Allele origin: germline.
Comment: This sequence change replaces arginine, which is basic and polar, with histidine, which is basic and polar, at codon 590 of the HPSE2 protein (p.Arg590His). This variant is present in population databases (rs138098027, gnomAD 0.07%). This missense change has been observed in individual(s) with HPSE2-related conditions (PMID: 25145936). ClinVar contains an entry for this variant (Variation ID: 2038275). An algorithm developed to predict the effect of missense changes on protein structure and function (PolyPhen-2) suggests that this variant is likely to be disruptive. In summary, the available evidence is currently insufficient to determine the role of this variant in disease. Therefore, it has been classified as a Variant of Uncertain Significance.

Ambry Genetics
Classification: Uncertain significance for Inborn genetic diseases. Last evaluated: 2024-08-01. Review status: criteria provided, single submitter. Criteria: Ambry Variant Classification Scheme 2023. Collection method: clinical testing. Allele origin: germline.

Literature cited by the submitters: PubMed 25145936 (cited by Labcorp Genetics (formerly Invitae), Labcorp).

NM_021828.5(HPSE2):c.1769G>A (p.Arg590His)

Gene: HPSE2 (heparanase 2 (inactive); minus strand). Cytogenetic location: 10q24.2.
Variant type: single nucleotide variant.
Coding change: c.1769G>A on transcript NM_021828.5 (MANE Select); coding-DNA position 1769, G replaced by A.
Protein change: p.Arg590His; replaces arginine 590 with histidine.
Molecular consequence: missense variant. On other transcripts: 3 prime UTR variant (1).
Genome position (GRCh38, 1-based): chr10:98,459,584, C>T on the plus strand (G>A on the coding strand, the complement: HPSE2 is on the minus strand). VCF-style: chr10-98459584-C-T. GRCh37 (hg19) VCF-style: chr10-100219341-C-T.
Other names: c.1595G>A, p.Arg532His (NM_001166244.1); c.1433G>A, p.Arg478His (NM_001166245.1); c.*192G>A (NM_001166246.1); c.1769G>A (NM_021828.4); short protein forms R478H, R532H, R590H.
Identifiers: ClinVar variation 2038275 (VCV002038275.4), dbSNP rs138098027, ClinGen allele CA5639564.